The following is an entry in ClinVar:

NM_001035.3(RYR2):c.14091-8C>T

Gene: RYR2 (ryanodine receptor 2; plus strand). Cytogenetic location: 1q43.
Variant type: single nucleotide variant.
Coding change: c.14091-8C>T on transcript NM_001035.3 (MANE Select); 8 bases into the intron before coding-DNA position 14091, C replaced by T.
Molecular consequence: intron variant.
Genome position (GRCh38, 1-based): chr1:237,801,848, C>T. VCF-style: chr1-237801848-C-T. GRCh37 (hg19) VCF-style: chr1-237965148-C-T.
Identifiers: ClinVar variation 3074666 (VCV003074666.1), dbSNP rs765026287, ClinGen allele CA085579.

ClinVar aggregate classification (germline): Likely benign (1 of 4 stars; one submission).

Conditions:
Catecholaminergic polymorphic ventricular tachycardia (CVPT). Also called: Catecholamine-induced polymorphic ventricular tachycardia. Identifiers: Orphanet 3286, MedGen C5574922, MONDO:0017990.

Allele frequency attached by ClinVar (database versions not stated): ExAC 0.00003.

Submission:

All of Us Research Program, National Institutes of Health
Classification: Likely benign for Catecholaminergic polymorphic ventricular tachycardia. Last evaluated: 2023-11-20. Review status: criteria provided, single submitter. Criteria: ACMG Guidelines, 2015. Collection method: clinical testing. Allele origin: germline. Inheritance: Autosomal dominant inheritance. Observed: 1 variant allele, 1 heterozygote.
Comment: This study involves interpretation of variants in research participants for the purpose of population health screening. Participant phenotype was not available at the time of variant classification. Additional details can be found in publication PMID: 35346344, PMCID: PMC8962531